The following is an entry in ClinVar:

NM_000069.3(CACNA1S):c.4377C>T (p.Gly1459=)

Gene: CACNA1S (calcium voltage-gated channel subunit alpha1 S; minus strand). Cytogenetic location: 1q32.1.
Variant type: single nucleotide variant.
Coding change: c.4377C>T on transcript NM_000069.3 (MANE Select); coding-DNA position 4377, C replaced by T.
Protein change: p.Gly1459=; no amino-acid change (glycine 1459 retained).
Molecular consequence: synonymous variant.
Genome position (GRCh38, 1-based): chr1:201,048,646, G>A on the plus strand (C>T on the coding strand, the complement: CACNA1S is on the minus strand). VCF-style: chr1-201048646-G-A. GRCh37 (hg19) VCF-style: chr1-201017774-G-A.
Identifiers: ClinVar variation 515432 (VCV000515432.16), dbSNP rs138189035, ClinGen allele CA083316.
Genomic context (GRCh38, chr1:201,048,646, plus strand): 5'-CGTCTTGATCTTGAGTGCCGTGCGGACCAGGGCAAAGAGTGTGGCATTGAAGGTGACTGT[G>A]CCGTCGCTGTTCAGGGGCATGTTCATGCCCACCAGCCGCTGTACAGGGAGACGCAGTGGC-3'
Protein context (NP_000060.2, residues 1449-1469): VGMNMPLNSD[Gly1459=]TVTFNATLFA

ClinVar aggregate classification (germline): Likely benign. Review status: criteria provided, multiple submitters, no conflicts (2 of 4 stars). 8 submissions from 5 submitters: Likely benign (8). Last evaluated 2025-12-10.

Conditions:
Congenital myopathy 18. Also called: Myopathy, congenital, due to dihydropyridine receptor defect; DIHYDROPYRIDINE RECEPTOR CONGENITAL MYOPATHY; DHPR CONGENITAL MYOPATHY. Identifiers: MedGen C5830283, MONDO:0859514, OMIM 620246.
Hypokalemic periodic paralysis, type 1. Also called: HypoPP; Hypokalemic Periodic Paralysis Type 1 (AD). Identifiers: Orphanet 681, MedGen C3714580, MONDO:0042979, OMIM 170400.
Malignant hyperthermia, susceptibility to, 5 (MHS5). Also called: CACNA1S-Related Malignant Hyperthermia Susceptibility. Identifiers: Orphanet 423, MedGen C1866077, MONDO:0011163, OMIM 601887.
Thyrotoxic periodic paralysis, susceptibility to, 1 (TTPP1). Identifiers: Orphanet 79102, MedGen C2749982, MONDO:0008570, OMIM 188580.

Allele frequency attached by ClinVar (database versions not stated): gnomAD exomes below 0.00001 and 0.00003; ExAC 0.00005; gnomAD 0.00014 and 0.00015; ESP Exome Variant Server 0.00015; TOPMed 0.00017.
gnomAD v4.1: 30 of 1,613,654 alleles (0.0019%); highest among the groups gnomAD compares: African/African-American, 0.035%; no homozygotes.

Submissions (8):

Labcorp Genetics (formerly Invitae), Labcorp
Classification: Likely benign for Hypokalemic periodic paralysis, type 1; Malignant hyperthermia, susceptibility to, 5. Last evaluated: 2025-12-10. Review status: criteria provided, single submitter. Criteria: Invitae Variant Classification Sherloc (09022015). Collection method: clinical testing. Allele origin: germline.

All of Us Research Program, National Institutes of Health
Classification: Likely benign for Malignant hyperthermia, susceptibility to, 5. Last evaluated: 2024-07-10. Review status: criteria provided, single submitter. Criteria: ACMG Guidelines, 2015. Collection method: clinical testing. Allele origin: germline. Inheritance: Autosomal dominant inheritance. Observed: 6 variant alleles, 6 heterozygotes.
Comment: This study involves interpretation of variants in research participants for the purpose of population health screening. Participant phenotype was not available at the time of variant classification. Additional details can be found in publication PMID: 35346344, PMCID: PMC8962531

Color Diagnostics, LLC DBA Color Health
Classification: Likely benign for Malignant hyperthermia, susceptibility to, 5. Last evaluated: 2024-04-24. Review status: criteria provided, single submitter. Criteria: ACMG Guidelines, 2015. Collection method: clinical testing. Allele origin: germline.

Genome-Nilou Lab
Classification: Likely benign for Malignant hyperthermia, susceptibility to, 5. Last evaluated: 2023-04-11. Review status: criteria provided, single submitter. Criteria: ACMG Guidelines, 2015. Collection method: clinical testing. Allele origin: germline. Affected: no.

Genome-Nilou Lab
Classification: Likely benign for Thyrotoxic periodic paralysis, susceptibility to, 1. Last evaluated: 2023-04-11. Review status: criteria provided, single submitter. Criteria: ACMG Guidelines, 2015. Collection method: clinical testing. Allele origin: germline. Affected: no.

Genome-Nilou Lab
Classification: Likely benign for Congenital myopathy 18. Last evaluated: 2023-04-11. Review status: criteria provided, single submitter. Criteria: ACMG Guidelines, 2015. Collection method: clinical testing. Allele origin: germline. Affected: no.

Genome-Nilou Lab
Classification: Likely benign for Hypokalemic periodic paralysis, type 1. Last evaluated: 2023-04-11. Review status: criteria provided, single submitter. Criteria: ACMG Guidelines, 2015. Collection method: clinical testing. Allele origin: germline. Affected: no.

GeneDx
Classification: Likely benign. Last evaluated: 2018-02-16. Review status: criteria provided, single submitter. Criteria: GeneDx Variant Classification (06012015). Collection method: clinical testing. Allele origin: germline. Affected: yes.
Comment: This variant is considered likely benign or benign based on one or more of the following criteria: it is a conservative change, it occurs at a poorly conserved position in the protein, it is predicted to be benign by multiple in silico algorithms, and/or has population frequency not consistent with disease.